The following is an entry in ClinVar:

ClinVar aggregate classification (germline): Likely benign. Review status: criteria provided, multiple submitters, no conflicts (2 of 4 stars). 3 submissions from 3 submitters: Likely benign (3). Last evaluated 2025-02-27.

Conditions:
Familial thoracic aortic aneurysm and aortic dissection (TAAD). Also called: Thoracic aortic aneurysms and dissections. Identifiers: Orphanet 91387, MedGen C4707243, MONDO:0019625.
Ehlers-Danlos syndrome, type 4 (EDSVASC). Also called: Ehlers-Danlos syndrome vascular type; Ehlers Danlos syndrome, ecchymotic type; Ehlers Danlos syndrome, arterial type; Ehlers Danlos syndrome, Sack-Barabas type; Ehlers-Danlos Syndrome Type IV. Identifiers: Orphanet 286, MedGen C0268338, MONDO:0017314, OMIM 130050.

gnomAD v4.1: 2 of 1,612,598 alleles (0.00012%); highest among the groups gnomAD compares: Admixed American, 0.0033%; no homozygotes.

Submissions (3):

Labcorp Genetics (formerly Invitae), Labcorp
Classification: Likely benign for Ehlers-Danlos syndrome, type 4. Last evaluated: 2025-02-27. Review status: criteria provided, single submitter. Criteria: Invitae Variant Classification Sherloc (09022015). Collection method: clinical testing. Allele origin: germline.

All of Us Research Program, National Institutes of Health
Classification: Likely benign for Ehlers-Danlos syndrome, type 4. Last evaluated: 2024-04-16. Review status: criteria provided, single submitter. Criteria: ACMG Guidelines, 2015. Collection method: clinical testing. Allele origin: germline. Inheritance: Autosomal dominant inheritance. Observed: 1 variant allele, 1 heterozygote.
Comment: This study involves interpretation of variants in research participants for the purpose of population health screening. Participant phenotype was not available at the time of variant classification. Additional details can be found in publication PMID: 35346344, PMCID: PMC8962531

Color Diagnostics, LLC DBA Color Health
Classification: Likely benign for Familial thoracic aortic aneurysm and aortic dissection. Last evaluated: 2024-03-20. Review status: criteria provided, single submitter. Criteria: ACMG Guidelines, 2015. Collection method: clinical testing. Allele origin: germline.

NM_000090.4(COL3A1):c.799-11A>G

Gene: COL3A1 (collagen type III alpha 1 chain; plus strand). Cytogenetic location: 2q32.2.
Variant type: single nucleotide variant.
Coding change: c.799-11A>G on transcript NM_000090.4 (MANE Select); 11 bases into the intron before coding-DNA position 799, A replaced by G.
Molecular consequence: intron variant.
Genome position (GRCh38, 1-based): chr2:188,990,993, A>G. VCF-style: chr2-188990993-A-G. GRCh37 (hg19) VCF-style: chr2-189855719-A-G.
Identifiers: ClinVar variation 3386438 (VCV003386438.2).